The following is an entry in ClinVar:

NM_004531.5(MOCS2):c.-656T>C

Genes: MOCS2 (molybdenum cofactor synthesis 2; minus strand), LOC129993881 (ATAC-STARR-seq lymphoblastoid silent region 16005; plus strand). Cytogenetic location: 5q11.2.
Variant type: single nucleotide variant.
Coding change: c.-656T>C on transcript NM_004531.5 (MANE Select); 656 bases upstream of the start codon, T replaced by C.
Molecular consequence: 5 prime UTR variant.
Genome position (GRCh38, 1-based): chr5:53,109,737, A>G on the plus strand (T>C on the coding strand, the complement: MOCS2 is on the minus strand). VCF-style: chr5-53109737-A-G. GRCh37 (hg19) VCF-style: chr5-52405567-A-G.
Other names: c.-8T>C (NM_176806.4); c.-656T>C (NM_004531.4).
Identifiers: ClinVar variation 4684835 (VCV004684835.2).

ClinVar aggregate classification (germline): Likely benign. Review status: criteria provided, multiple submitters, no conflicts (2 of 4 stars). 2 submissions from 2 submitters: Likely benign (2). Last evaluated 2026-06-10.

Conditions:
MOCS2-related disorder. Also called: MOCS2-related condition.

Submissions (2):

PreventionGenetics, part of Exact Sciences
Classification: Likely benign for MOCS2-related condition. Last evaluated: 2026-06-10. Review status: criteria provided, single submitter. Criteria: ACMG Guidelines, 2015. Collection method: clinical testing. Allele origin: germline.
Comment: This variant is classified as likely benign based on ACMG/AMP sequence variant interpretation guidelines (Richards et al. 2015 PMID: 25741868, with internal and published modifications).

Mayo Clinic Laboratories, Mayo Clinic
Classification: Likely benign. Last evaluated: 2025-06-13. Review status: criteria provided, single submitter. Criteria: ACMG Guidelines, 2015. Collection method: clinical testing. Allele origin: germline. Observed: 4 variant alleles.
Comment: BS1, BP4